The following is an entry in ClinVar:

NM_006642.5(SDCCAG8):c.1121G>A (p.Arg374Gln)

Gene: SDCCAG8 (SHH signaling and ciliogenesis regulator SDCCAG8; plus strand). Cytogenetic location: 1q43.
Variant type: single nucleotide variant.
Coding change: c.1121G>A on transcript NM_006642.5 (MANE Select); coding-DNA position 1121, G replaced by A.
Protein change: p.Arg374Gln; replaces arginine 374 with glutamine.
Molecular consequence: missense variant.
Genome position (GRCh38, 1-based): chr1:243,330,592, G>A. VCF-style: chr1-243330592-G-A. GRCh37 (hg19) VCF-style: chr1-243493894-G-A.
Other names: c.218G>A, p.Arg73Gln (NM_001350246.2, NM_001350247.2, NM_001350251.2); c.1217G>A, p.Arg406Gln (NM_001350248.2); c.827G>A, p.Arg276Gln (NM_001350249.2); short protein forms R276Q, R374Q, R73Q, R406Q.
Identifiers: ClinVar variation 1412917 (VCV001412917.7), dbSNP rs553797432, ClinGen allele CA1483563.
Genomic context (GRCh38, chr1:243,330,592, plus strand): 5'-CCTGGCAGGCTTTAATCCAGTGTGACCAGTTGAGGAAGGAGCTGGAGAGGCAGGCGGAGC[G>A]ACTTGAAAAAGAACTTGCATCTCAGCAAGAGAAAAGGGCCATTGAGAAAGACATGATGAA-3'
Protein context (NP_006633.1, residues 364-384): LRKELERQAE[Arg374Gln]LEKELASQQE

ClinVar aggregate classification (germline): Uncertain significance (1 of 4 stars; one submission).

Conditions:
Senior-Loken syndrome 7 (SLSN7). Identifiers: Orphanet 3156, MedGen C3150877, MONDO:0013326, OMIM 613615.
Bardet-Biedl syndrome 16 (BBS16). Identifiers: Orphanet 110, MedGen C3889474, MONDO:0014444, OMIM 615993.

Allele frequency attached by ClinVar (database versions not stated): ExAC 0.00001; gnomAD 0.00001 and 0.00002; gnomAD exomes 0.00001; 1000 Genomes Project 0.00040; 1000 Genomes Project 30x 0.00047.

Submission:

Labcorp Genetics (formerly Invitae), Labcorp
Classification: Uncertain significance for Bardet-Biedl syndrome 16; Senior-Loken syndrome 7. Last evaluated: 2025-08-15. Review status: criteria provided, single submitter. Criteria: Invitae Variant Classification Sherloc (09022015). Collection method: clinical testing. Allele origin: germline.
Comment: This sequence change replaces arginine, which is basic and polar, with glutamine, which is neutral and polar, at codon 374 of the SDCCAG8 protein (p.Arg374Gln). This variant is present in population databases (rs553797432, gnomAD 0.003%). This variant has not been reported in the literature in individuals affected with SDCCAG8-related conditions. ClinVar contains an entry for this variant (Variation ID: 1412917). Invitae Evidence Modeling of protein sequence and biophysical properties (such as structural, functional, and spatial information, amino acid conservation, physicochemical variation, residue mobility, and thermodynamic stability) indicates that this missense variant is not expected to disrupt SDCCAG8 protein function with a negative predictive value of 80%. In summary, the available evidence is currently insufficient to determine the role of this variant in disease. Therefore, it has been classified as a Variant of Uncertain Significance.